The following is an entry in ClinVar:

ClinVar aggregate classification (germline): Benign/Likely benign. Review status: criteria provided, multiple submitters, no conflicts (2 of 4 stars). 5 submissions from 4 submitters: Benign (3); Likely benign (1). 1 of the submissions does not count toward it. Last evaluated 2024-11-25.

Conditions:
Haim-Munk syndrome (HMS). Also called: KERATOSIS PALMOPLANTARIS WITH PERIODONTOPATHIA AND ONYCHOGRYPOSIS; COCHIN JEWISH DISORDER. Identifiers: Orphanet 2342, MedGen C1855627, MONDO:0009491, OMIM 245010.
Papillon-Lefèvre syndrome (PALS). Also called: KERATOSIS PALMOPLANTARIS WITH PERIODONTOPATHIA; Papillon-Lefevre Disease. Identifiers: Orphanet 678, MedGen C0030360, MONDO:0009490, OMIM 245000.
CTSC-related disorder. Also called: CTSC-related disorders; CTSC-related condition. Identifiers: MedGen CN375926, MONDO:0800465.

Allele frequency attached by ClinVar (database versions not stated): ExAC 0.00197; gnomAD 0.00782; TOPMed 0.00987; 1000 Genomes Project 30x 0.01046; 1000 Genomes Project 0.01058.
gnomAD v4.1: 2,459 of 1,537,868 alleles (0.16%); highest among the groups gnomAD compares: African/African-American, 3%; 32 homozygotes.

Submissions (5):

Blueprint Genetics
Classification: Likely benign. Last evaluated: 2024-11-25. Review status: criteria provided, single submitter. Criteria: ACMG Guidelines, 2015. Collection method: clinical testing. Allele origin: germline.

Illumina Laboratory Services, Illumina
Classification: Benign for Papillon-Lefèvre syndrome. Last evaluated: 2018-01-12. Review status: criteria provided, single submitter. Criteria: ICSL Variant Classification Criteria 13 December 2019. Collection method: clinical testing. Allele origin: germline.
Comment: This variant was observed in the ICSL laboratory as part of a predisposition screen in an ostensibly healthy population. It had not been previously curated by ICSL or reported in the Human Gene Mutation Database (HGMD: prior to June 1st, 2018), and was therefore a candidate for classification through an automated scoring system. Utilizing variant allele frequency, disease prevalence and penetrance estimates, and inheritance mode, an automated score was calculated to assess if this variant is too frequent to cause the disease. Based on the score and internal cut-off values, a variant classified as benign is not then subjected to further curation. The score for this variant resulted in a classification of benign for this disease.

Illumina Laboratory Services, Illumina
Classification: Benign for Haim-Munk syndrome. Last evaluated: 2018-01-12. Review status: criteria provided, single submitter. Criteria: ICSL Variant Classification Criteria 13 December 2019. Collection method: clinical testing. Allele origin: germline.
Comment: the same text as in the submission from Illumina Laboratory Services, Illumina above.

Breakthrough Genomics
Classification: Benign. Review status: criteria provided, single submitter. Criteria: ACMG Guidelines, 2015. Collection method: not provided. Allele origin: germline. Inheritance: Autosomal recessive inheritance. Affected: yes.

PreventionGenetics, part of Exact Sciences
Classification: Likely benign for CTSC-related condition. Last evaluated: 2019-08-12. Review status: no assertion criteria provided. Collection method: clinical testing. Allele origin: germline. Not counted in ClinVar's aggregate classification.
Comment: This variant is classified as likely benign based on ACMG/AMP sequence variant interpretation guidelines (Richards et al. 2015 PMID: 25741868, with internal and published modifications).

NM_001814.6(CTSC):c.-62C>T

Gene: CTSC (cathepsin C; minus strand). Cytogenetic location: 11q14.2.
Variant type: single nucleotide variant.
Coding change: c.-62C>T on transcript NM_001814.6 (MANE Select); 62 bases upstream of the start codon, C replaced by T.
Molecular consequence: 5 prime UTR variant.
Genome position (GRCh38, 1-based): chr11:88,337,734, G>A on the plus strand (C>T on the coding strand, the complement: CTSC is on the minus strand). VCF-style: chr11-88337734-G-A. GRCh37 (hg19) VCF-style: chr11-88070902-G-A.
Other names: c.-62C>T (LRG_50t1, NM_001114173.3, NM_148170.5 and 1 more transcripts).
Identifiers: ClinVar variation 306438 (VCV000306438.9), dbSNP rs139541967, ClinGen allele CA6220190.
Genomic context (GRCh38, chr11:88,337,734, plus strand): 5'-CTGCAGGGAGCTGAGAAAAGAGGTGAAGAATTACCAGGAAGCCGAGCGCTGCGGGCTAGC[G>A]GTGAGTCCACCACGAGGCGCGCGCCTTGAAATAGCTACGCCGGCCCGGAAACCCGTGGGC-3'